The following is an entry in ClinVar:

NM_007194.4(CHEK2):c.1557_1567del (p.Arg519_Lys520insTer)

Gene: CHEK2 (checkpoint kinase 2; minus strand). Cytogenetic location: 22q12.1.
Variant type: Deletion.
Coding change: c.1557_1567del on transcript NM_007194.4 (MANE Select); coding-DNA positions 1557 to 1567, 11 bases deleted (AAAGCGGCCCC).
Protein change: p.Arg519_Lys520insTer.
Molecular consequence: frameshift variant. On other transcripts: nonsense (4).
Genome position (GRCh38, 1-based): chr22:28,687,962-28,687,972, GGGGCCGCTTT deleted on the plus strand (AAAGCGGCCCC on the coding strand, the reverse complement: CHEK2 is on the minus strand). VCF-style (leftmost placement, unchanged base first): chr22-28687961-CGGGGCCGCTTT-C. GRCh37 (hg19) VCF-style: chr22-29083949-CGGGGCCGCTTT-C.
Other names: c.1686_1696delAAAGCGGCCCC, p.Lys563Terfs (NM_001005735.3); c.894_904delAAAGCGGCCCC, p.Lys299Terfs (NM_001257387.3); c.1356_1366delAAAGCGGCCCC, p.Lys453Terfs (NM_001349956.3); c.1470_1480delAAAGCGGCCCC, p.Lys491Terfs (NM_145862.3).
Identifiers: ClinVar variation 3661627 (VCV003661627.2).
Genomic context (GRCh38, chr22:28,687,961, plus strand): 5'-AACACAGCAGCACACACAGCTGGGCGCTTTGTGGTCTCGGCACCCTCGGCTTCCCCTTCA[CGGGGCCGCTTT>C]CGACTAGTAGAAGGCTGAAAATAAAGGAAAATGGAGAAATGTTCAAAAGAAAATCACTGG-3'

ClinVar aggregate classification (germline): Uncertain significance (1 of 4 stars; one submission).

Conditions:
Familial cancer of breast. Also called: Hereditary breast cancer; hereditary breast carcinoma; BREAST CANCER, FAMILIAL. Identifiers: Orphanet 227535, MedGen C0346153, MONDO:0016419, OMIM 114480. Disease mechanism: loss of function.

Submission:

Labcorp Genetics (formerly Invitae), Labcorp
Classification: Uncertain significance for Familial cancer of breast. Last evaluated: 2024-08-07. Review status: criteria provided, single submitter. Criteria: Invitae Variant Classification Sherloc (09022015). Collection method: clinical testing. Allele origin: germline.
Comment: This sequence change creates a premature translational stop signal (p.Lys520*) in the CHEK2 gene. While this is not anticipated to result in nonsense mediated decay, it is expected to disrupt the last 24 amino acid(s) of the CHEK2 protein. This variant is not present in population databases (gnomAD no frequency). This variant has not been reported in the literature in individuals affected with CHEK2-related conditions. Algorithms developed to predict the effect of sequence changes on RNA splicing suggest that this variant may disrupt the consensus splice site. In summary, the available evidence is currently insufficient to determine the role of this variant in disease. Therefore, it has been classified as a Variant of Uncertain Significance.